The following is an entry in ClinVar:

ClinVar aggregate classification (germline): Uncertain significance (1 of 4 stars; one submission).

Conditions:
Gastrointestinal stromal tumor. Also called: Gastrointestinal stromal tumor, somatic; Gastrointestinal stroma tumor. Identifiers: Orphanet 44890, MedGen C0238198, MeSH D046152, MONDO:0011719, OMIM 606764, HP:0100723.

Allele frequency attached by ClinVar (database versions not stated): gnomAD exomes below 0.00001.
gnomAD v4.1: 1 of 1,614,186 alleles (0.000062%); highest among the groups gnomAD compares: Non-Finnish European, 0.000085%; no homozygotes.

Submission:

Labcorp Genetics (formerly Invitae), Labcorp
Classification: Uncertain significance for Gastrointestinal stromal tumor. Last evaluated: 2022-05-11. Review status: criteria provided, single submitter. Criteria: Invitae Variant Classification Sherloc (09022015). Collection method: clinical testing. Allele origin: germline.
Comment: In summary, the available evidence is currently insufficient to determine the role of this variant in disease. Therefore, it has been classified as a Variant of Uncertain Significance. Algorithms developed to predict the effect of missense changes on protein structure and function are either unavailable or do not agree on the potential impact of this missense change (SIFT: "Deleterious"; PolyPhen-2: "Possibly Damaging"; Align-GVGD: "Class C0"). ClinVar contains an entry for this variant (Variation ID: 1020781). This variant has not been reported in the literature in individuals affected with KIT-related conditions. This variant is not present in population databases (gnomAD no frequency). This sequence change replaces serine, which is neutral and polar, with proline, which is neutral and non-polar, at codon 24 of the KIT protein (p.Ser24Pro).

NM_000222.3(KIT):c.70T>C (p.Ser24Pro)

Gene: KIT (KIT proto-oncogene, receptor tyrosine kinase; plus strand). Cytogenetic location: 4q12.
Variant type: single nucleotide variant.
Coding change: c.70T>C on transcript NM_000222.3 (MANE Select); coding-DNA position 70, T replaced by C.
Protein change: p.Ser24Pro; replaces serine 24 with proline.
Molecular consequence: missense variant.
Genome position (GRCh38, 1-based): chr4:54,695,514, T>C. VCF-style: chr4-54695514-T-C. GRCh37 (hg19) VCF-style: chr4-55561680-T-C.
Other names: c.70T>C, p.Ser24Pro (NM_001385286.1, NM_001385288.1, NM_001385290.1 and 4 more transcripts); short protein forms S24P.
Identifiers: ClinVar variation 1020781 (VCV001020781.9), dbSNP rs1719995693, ClinGen allele CA356896785.